The following is an entry in ClinVar:

ClinVar aggregate classification (germline): Uncertain significance. Review status: criteria provided, multiple submitters, no conflicts (2 of 4 stars). 2 submissions from 2 submitters: Uncertain significance (2). Last evaluated 2022-04-28.

Allele frequency attached by ClinVar (database versions not stated): TOPMed below 0.00001; gnomAD exomes 0.00001.

Submissions (2):

Labcorp Genetics (formerly Invitae), Labcorp
Classification: Uncertain significance. Last evaluated: 2022-04-28. Review status: criteria provided, single submitter. Criteria: Invitae Variant Classification Sherloc (09022015). Collection method: clinical testing. Allele origin: germline.
Comment: This sequence change replaces lysine, which is basic and polar, with asparagine, which is neutral and polar, at codon 616 of the COL2A1 protein (p.Lys616Asn). This variant is not present in population databases (gnomAD no frequency). This variant has not been reported in the literature in individuals affected with COL2A1-related conditions. Algorithms developed to predict the effect of missense changes on protein structure and function (SIFT, PolyPhen-2, Align-GVGD) all suggest that this variant is likely to be disruptive. In summary, the available evidence is currently insufficient to determine the role of this variant in disease. Therefore, it has been classified as a Variant of Uncertain Significance.

Blueprint Genetics
Classification: Uncertain significance. Last evaluated: 2017-09-15. Review status: criteria provided, single submitter. Criteria: ACMG Guidelines, 2015. Collection method: clinical testing. Allele origin: germline.

NM_001844.5(COL2A1):c.1848A>C (p.Lys616Asn)

Gene: COL2A1 (collagen type II alpha 1 chain; minus strand). Cytogenetic location: 12q13.11.
Variant type: single nucleotide variant.
Coding change: c.1848A>C on transcript NM_001844.5 (MANE Select); coding-DNA position 1848, A replaced by C.
Protein change: p.Lys616Asn; replaces lysine 616 with asparagine.
Molecular consequence: missense variant.
Genome position (GRCh38, 1-based): chr12:47,984,585, T>G on the plus strand (A>C on the coding strand, the complement: COL2A1 is on the minus strand). VCF-style: chr12-47984585-T-G. GRCh37 (hg19) VCF-style: chr12-48378368-T-G.
Other names: c.1641A>C, p.Lys547Asn (NM_033150.3); short protein forms K547N, K616N.
Identifiers: ClinVar variation 1383409 (VCV001383409.7), dbSNP rs1001585299, ClinGen allele CA236525633.